The following is an entry in ClinVar:

ClinVar aggregate classification (germline): Likely benign. Review status: criteria provided, multiple submitters, no conflicts (2 of 4 stars). 4 submissions from 4 submitters: Likely benign (4). Last evaluated 2026-01-06.

Conditions:
Inborn genetic diseases. Identifiers: MedGen C0950123, MeSH D030342.
Combined immunodeficiency due to LRBA deficiency. Also called: Common variable immunodeficiency 8, with autoimmunity. Identifiers: Orphanet 445018, MedGen C3553512, MONDO:0013863, OMIM 614700.

Allele frequency attached by ClinVar (database versions not stated): ExAC 0.00001; gnomAD exomes 0.00002; TOPMed 0.00002; gnomAD 0.00003 and 0.00004.
gnomAD v4.1: 29 of 1,607,258 alleles (0.0018%); highest among the groups gnomAD compares: Non-Finnish European, 0.0022%; no homozygotes.

Submissions (4):

Labcorp Genetics (formerly Invitae), Labcorp
Classification: Likely benign for Combined immunodeficiency due to LRBA deficiency. Last evaluated: 2026-01-06. Review status: criteria provided, single submitter. Criteria: Invitae Variant Classification Sherloc (09022015). Collection method: clinical testing. Allele origin: germline.

Mayo Clinic Laboratories, Mayo Clinic
Classification: Likely benign. Last evaluated: 2025-05-30. Review status: criteria provided, single submitter. Criteria: ACMG Guidelines, 2015. Collection method: clinical testing. Allele origin: germline. Observed: 1 variant allele.
Comment: BP4, BP7, PM2_supporting

Ambry Genetics
Classification: Likely benign for Inborn genetic diseases. Last evaluated: 2025-05-19. Review status: criteria provided, single submitter. Criteria: Ambry Variant Classification Scheme 2023. Collection method: clinical testing. Allele origin: germline.

Blueprint Genetics
Classification: Likely benign. Last evaluated: 2024-01-04. Review status: criteria provided, single submitter. Criteria: ACMG Guidelines, 2015. Collection method: clinical testing. Allele origin: germline.

NM_001364905.1(LRBA):c.8133C>T (p.Leu2711=)

Gene: LRBA (LPS responsive beige-like anchor protein; minus strand). Cytogenetic location: 4q31.3.
Variant type: single nucleotide variant.
Coding change: c.8133C>T on transcript NM_001364905.1 (MANE Select); coding-DNA position 8133, C replaced by T.
Protein change: p.Leu2711=; no amino-acid change (leucine 2711 retained).
Molecular consequence: synonymous variant.
Genome position (GRCh38, 1-based): chr4:150,282,633, G>A on the plus strand (C>T on the coding strand, the complement: LRBA is on the minus strand). VCF-style: chr4-150282633-G-A. GRCh37 (hg19) VCF-style: chr4-151203785-G-A.
Other names: p.Leu2722=; c.8130C>T, p.Leu2710= (NM_001199282.3); c.8148C>T, p.Leu2716= (NM_001367550.1); c.8166C>T, p.Leu2722= (NM_006726.5).
Identifiers: ClinVar variation 743318 (VCV000743318.13), dbSNP rs780738868, ClinGen allele CA3101425.